The following is an entry in ClinVar:

NM_014491.4(FOXP2):c.1920C>T (p.Ala640=)

Gene: FOXP2 (forkhead box P2; plus strand). Cytogenetic location: 7q31.1.
Variant type: single nucleotide variant.
Coding change: c.1920C>T on transcript NM_014491.4 (MANE Select); coding-DNA position 1920, C replaced by T.
Protein change: p.Ala640=; no amino-acid change (alanine 640 retained).
Molecular consequence: synonymous variant. On other transcripts: non-coding transcript variant (2).
Genome position (GRCh38, 1-based): chr7:114,664,353, C>T. VCF-style: chr7-114664353-C-T. GRCh37 (hg19) VCF-style: chr7-114304408-C-T.
Other names: c.1917C>T, p.Ala639= (NM_001172766.3); c.1995C>T, p.Ala665= (NM_148898.4); c.1971C>T, p.Ala657= (NM_148900.4).
Identifiers: ClinVar variation 588829 (VCV000588829.10), dbSNP rs147851941, ClinGen allele CA4446249.

ClinVar aggregate classification (germline): Likely benign. Review status: criteria provided, multiple submitters, no conflicts (2 of 4 stars). 3 submissions from 3 submitters: Likely benign (3). Last evaluated 2026-03-01.

Conditions:
Inborn genetic diseases. Identifiers: MedGen C0950123, MeSH D030342.

Allele frequency attached by ClinVar (database versions not stated): ESP Exome Variant Server 0.00008; gnomAD exomes 0.00012 and 0.00020; ExAC 0.00016; 1000 Genomes Project 0.00020; gnomAD 0.00022 and 0.00026; TOPMed 0.00026; 1000 Genomes Project 30x 0.00031.
gnomAD v4.1: 232 of 1,613,614 alleles (0.014%); highest among the groups gnomAD compares: Middle Eastern, 0.12%; 1 homozygote.

Submissions (3):

CeGaT Center for Human Genetics Tuebingen
Classification: Likely benign. Last evaluated: 2026-03-01. Review status: criteria provided, single submitter. Criteria: CeGaT Center For Human Genetics Tuebingen Variant Classification Criteria Version 2. Collection method: clinical testing. Allele origin: germline. Affected: yes. Observed: 1 variant allele.
Comment: FOXP2: BP4, BP7

Ambry Genetics
Classification: Likely benign for Inborn genetic diseases. Last evaluated: 2017-05-26. Review status: criteria provided, single submitter. Criteria: Ambry Variant Classification Scheme 2023. Collection method: clinical testing. Allele origin: germline.

Breakthrough Genomics
Classification: Likely benign. Review status: criteria provided, single submitter. Criteria: ACMG Guidelines, 2015. Collection method: not provided. Allele origin: germline. Inheritance: Autosomal dominant inheritance. Affected: yes.